The following is an entry in ClinVar:

NM_194291.3(TMEM65):c.131C>G (p.Pro44Arg)

Genes: TMEM65 (transmembrane protein 65; minus strand), LOC130001070 (ATAC-STARR-seq lymphoblastoid silent region 19510; plus strand). Cytogenetic location: 8q24.13.
Variant type: single nucleotide variant.
Coding change: c.131C>G on transcript NM_194291.3 (MANE Select); coding-DNA position 131, C replaced by G.
Protein change: p.Pro44Arg; replaces proline 44 with arginine.
Molecular consequence: missense variant.
Genome position (GRCh38, 1-based): chr8:124,372,027, G>C on the plus strand (C>G on the coding strand, the complement: TMEM65 is on the minus strand). VCF-style: chr8-124372027-G-C. GRCh37 (hg19) VCF-style: chr8-125384268-G-C.
Other names: short protein forms P44R.
Identifiers: ClinVar variation 3043332 (VCV003043332.2), dbSNP rs1050898420, ClinGen allele CA185402141.

ClinVar aggregate classification (germline): Likely benign (0 of 4 stars; one submission).

Conditions:
TMEM65-related disorder. Also called: TMEM65-related condition.

Allele frequency attached by ClinVar (database versions not stated): 1000 Genomes Project 30x 0.00047; gnomAD 0.00105; TOPMed 0.00123.
gnomAD v4.1: 271 of 1,265,934 alleles (0.021%); highest among the groups gnomAD compares: African/African-American, 0.39%; no homozygotes.

Submission:

PreventionGenetics, part of Exact Sciences
Classification: Likely benign for TMEM65-related condition. Last evaluated: 2023-06-06. Review status: no assertion criteria provided. Collection method: clinical testing. Allele origin: germline.
Comment: This variant is classified as likely benign based on ACMG/AMP sequence variant interpretation guidelines (Richards et al. 2015 PMID: 25741868, with internal and published modifications).